The following is an entry in ClinVar:

NM_007327.4(GRIN1):c.1168C>G (p.Arg390Gly)

Gene: GRIN1 (glutamate ionotropic receptor NMDA type subunit 1; plus strand). Cytogenetic location: 9q34.3.
Variant type: single nucleotide variant.
Coding change: c.1168C>G on transcript NM_007327.4 (MANE Select); coding-DNA position 1168, C replaced by G.
Protein change: p.Arg390Gly; replaces arginine 390 with glycine.
Molecular consequence: missense variant.
Genome position (GRCh38, 1-based): chr9:137,158,675, C>G. VCF-style: chr9-137158675-C-G. GRCh37 (hg19) VCF-style: chr9-140053127-C-G.
Other names: c.1168C>G, p.Arg390Gly (NM_000832.7, NM_021569.4); c.1231C>G, p.Arg411Gly (NM_001185090.2, NM_001185091.2); short protein forms R411G, R390G.
Identifiers: ClinVar variation 959633 (VCV000959633.11), dbSNP rs927186701, ClinGen allele CA201739288.

ClinVar aggregate classification (germline): Conflicting classifications of pathogenicity. Review status: criteria provided, conflicting classifications (1 of 4 stars). 2 submissions from 2 submitters: Uncertain significance (1); Benign (1). Last evaluated 2025-07-23.

Conditions:
Neurodevelopmental disorder with or without hyperkinetic movements and seizures, autosomal dominant. Also called: Intellectual disability, autosomal dominant 8. Identifiers: MedGen C3280282, MONDO:0013655, OMIM 614254.

Allele frequency attached by ClinVar (database versions not stated): gnomAD exomes below 0.00001; TOPMed 0.00002.
gnomAD v4.1: 16 of 1,612,750 alleles (0.00099%); highest among the groups gnomAD compares: Non-Finnish European, 0.0012%; no homozygotes.

Submissions (2):

Labcorp Genetics (formerly Invitae), Labcorp
Classification: Benign for Neurodevelopmental disorder with or without hyperkinetic movements and seizures, autosomal dominant. Last evaluated: 2025-07-23. Review status: criteria provided, single submitter. Criteria: Invitae Variant Classification Sherloc (09022015). Collection method: clinical testing. Allele origin: germline.

Women's Health and Genetics/Laboratory Corporation of America, LabCorp
Classification: Uncertain significance. Last evaluated: 2025-03-21. Review status: criteria provided, single submitter. Criteria: LabCorp Variant Classification Summary - May 2015. Collection method: clinical testing. Allele origin: germline.
Comment: Variant summary: GRIN1 c.1168C>G (p.Arg390Gly) results in a non-conservative amino acid change in the encoded protein sequence. Four of five in-silico tools predict a benign effect of the variant on protein function. The variant allele was found at a frequency of 4e-06 in 250538 control chromosomes. The available data on variant occurrences in the general population are insufficient to allow any conclusion about variant significance. To our knowledge, no occurrence of c.1168C>G in individuals affected with Neurodevelopmental Disorder With Or Without Hyperkinetic Movements And Seizures, Autosomal Dominant and no experimental evidence demonstrating its impact on protein function have been reported. ClinVar contains an entry for this variant (Variation ID: 959633). Based on the evidence outlined above, the variant was classified as uncertain significance.